The following is an entry in ClinVar:

NM_004736.4(XPR1):c.842T>C (p.Phe281Ser)

Gene: XPR1 (xenotropic and polytropic retrovirus receptor 1; plus strand). Cytogenetic location: 1q25.3.
Variant type: single nucleotide variant.
Coding change: c.842T>C on transcript NM_004736.4 (MANE Select); coding-DNA position 842, T replaced by C.
Protein change: p.Phe281Ser; replaces phenylalanine 281 with serine.
Molecular consequence: missense variant. On other transcripts: non-coding transcript variant (1).
Genome position (GRCh38, 1-based): chr1:180,824,831, T>C. VCF-style: chr1-180824831-T-C. GRCh37 (hg19) VCF-style: chr1-180793967-T-C.
Other names: c.842T>C, p.Phe281Ser (NM_001135669.2, NM_001328662.2); short protein forms F281S.
Identifiers: ClinVar variation 4698994 (VCV004698994.1).
Genomic context (GRCh38, chr1:180,824,831, plus strand): 5'-CAGATAGAAGTATATGGCCCTTGATAAGAATCTATCGGGGTGGCTTTCTTCTGATTGAAT[T>C]CCTTTTTCTACTGGGCATCAACACGTATGGTTGGAGACAGGCTGGAGTAAACCATGTACT-3'
Protein context (NP_004727.2, residues 271-291): IYRGGFLLIE[Phe281Ser]LFLLGINTYG

ClinVar aggregate classification (germline): Uncertain significance (1 of 4 stars; one submission).

Submission:

Labcorp Genetics (formerly Invitae), Labcorp
Classification: Uncertain significance. Last evaluated: 2025-12-03. Review status: criteria provided, single submitter. Criteria: Invitae Variant Classification Sherloc (09022015). Collection method: clinical testing. Allele origin: germline.
Comment: This sequence change replaces phenylalanine, which is neutral and non-polar, with serine, which is neutral and polar, at codon 281 of the XPR1 protein (p.Phe281Ser). This variant is not present in population databases (gnomAD no frequency). This variant has not been reported in the literature in individuals affected with XPR1-related conditions. Invitae Evidence Modeling of protein sequence and biophysical properties (such as structural, functional, and spatial information, amino acid conservation, physicochemical variation, residue mobility, and thermodynamic stability) indicates that this missense variant is not expected to disrupt XPR1 protein function with a negative predictive value of 80%. In summary, the available evidence is currently insufficient to determine the role of this variant in disease. Therefore, it has been classified as a Variant of Uncertain Significance.